The following is an entry in ClinVar:

ClinVar aggregate classification (germline): Uncertain significance (1 of 4 stars; one submission).

Conditions:
Cardiovascular phenotype. Identifiers: MedGen CN230736.

Submission:

Ambry Genetics
Classification: Uncertain significance for Cardiovascular phenotype. Last evaluated: 2026-04-22. Review status: criteria provided, single submitter. Criteria: Ambry Variant Classification Scheme 2023. Collection method: clinical testing. Allele origin: germline.
Comment: The p.V238A variant (also known as c.713T>C), located in coding exon 4 of the CBL gene, results from a T to C substitution at nucleotide position 713. The valine at codon 238 is replaced by alanine, an amino acid with similar properties. This amino acid position is conserved. In addition, this alteration is predicted to be deleterious by in silico analysis. Based on the available evidence, the clinical significance of this variant remains unclear.

NM_005188.4(CBL):c.713T>C (p.Val238Ala)

Gene: CBL (Cbl proto-oncogene; plus strand). Cytogenetic location: 11q23.3.
Variant type: single nucleotide variant.
Coding change: c.713T>C on transcript NM_005188.4 (MANE Select); coding-DNA position 713, T replaced by C.
Protein change: p.Val238Ala; replaces valine 238 with alanine.
Molecular consequence: missense variant.
Genome position (GRCh38, 1-based): chr11:119,273,990, T>C. VCF-style: chr11-119273990-T-C. GRCh37 (hg19) VCF-style: chr11-119144700-T-C.
Other names: short protein forms V238A.
Identifiers: ClinVar variation 4868237 (VCV004868237.1).